The following is an entry in ClinVar:

ClinVar aggregate classification (germline): Uncertain significance (1 of 4 stars; one submission).

gnomAD v4.1: 1 of 1,613,970 alleles (0.000062%); no homozygotes.

Submission:

Labcorp Genetics (formerly Invitae), Labcorp
Classification: Uncertain significance. Last evaluated: 2022-03-18. Review status: criteria provided, single submitter. Criteria: Invitae Variant Classification Sherloc (09022015). Collection method: clinical testing. Allele origin: germline.
Comment: This variant has not been reported in the literature in individuals affected with POLE-related conditions. This variant is not present in population databases (gnomAD no frequency). This sequence change replaces histidine, which is basic and polar, with glutamine, which is neutral and polar, at codon 1901 of the POLE protein (p.His1901Gln). Algorithms developed to predict the effect of missense changes on protein structure and function (SIFT, PolyPhen-2, Align-GVGD) all suggest that this variant is likely to be tolerated. In summary, the available evidence is currently insufficient to determine the role of this variant in disease. Therefore, it has been classified as a Variant of Uncertain Significance.

NM_006231.4(POLE):c.5703T>G (p.His1901Gln)

Gene: POLE (DNA polymerase epsilon, catalytic subunit; minus strand). Cytogenetic location: 12q24.33.
Variant type: single nucleotide variant.
Coding change: c.5703T>G on transcript NM_006231.4 (MANE Select); coding-DNA position 5703, T replaced by G.
Protein change: p.His1901Gln; replaces histidine 1901 with glutamine.
Molecular consequence: missense variant.
Genome position (GRCh38, 1-based): chr12:132,636,000, A>C on the plus strand (T>G on the coding strand, the complement: POLE is on the minus strand). VCF-style: chr12-132636000-A-C. GRCh37 (hg19) VCF-style: chr12-133212586-A-C.
Other names: short protein forms H1901Q.
Identifiers: ClinVar variation 1983332 (VCV001983332.4), dbSNP rs764439900, ClinGen allele CA387373212.
Genomic context (GRCh38, chr12:132,636,000, plus strand): 5'-GTTAGATGGATCCATCCAGAGAAGAAATTCCCAGCATCGAGAGAAAGAAATTGTCAGAGA[A>C]TGGAAGGTCTCCTTTGAATGGATGCTGCAGAGGAAGCATTGAAGACGCTGCTTCAGTGAA-3'
Protein context (NP_006222.2, residues 1891-1911): TSSIHSKETF[His1901Gln]SLTISFSRCW